The following is an entry in ClinVar:

NM_004380.3(CREBBP):c.4066G>A (p.Glu1356Lys)

Gene: CREBBP (CREB binding protein; minus strand). Cytogenetic location: 16p13.3.
Variant type: single nucleotide variant.
Coding change: c.4066G>A on transcript NM_004380.3 (MANE Select); coding-DNA position 4066, G replaced by A.
Protein change: p.Glu1356Lys; replaces glutamic acid 1356 with lysine.
Molecular consequence: missense variant.
Genome position (GRCh38, 1-based): chr16:3,740,466, C>T on the plus strand (G>A on the coding strand, the complement: CREBBP is on the minus strand). VCF-style: chr16-3740466-C-T. GRCh37 (hg19) VCF-style: chr16-3790467-C-T.
Other names: c.3952G>A, p.Glu1318Lys (NM_001079846.1); short protein forms E1356K, E1318K.
Identifiers: ClinVar variation 1737506 (VCV001737506.2), dbSNP rs2052176518, ClinGen allele CA394565340.

ClinVar aggregate classification (germline): Uncertain significance (1 of 4 stars; one submission).

Conditions:
Inborn genetic diseases. Identifiers: MedGen C0950123, MeSH D030342.

Submission:

Ambry Genetics
Classification: Uncertain significance for Inborn genetic diseases. Last evaluated: 2019-12-05. Review status: criteria provided, single submitter. Criteria: Ambry Variant Classification Scheme 2023. Collection method: clinical testing. Allele origin: germline.
Comment: The p.E1356K variant (also known as c.4066G>A), located in coding exon 24 of the CREBBP gene, results from a G to A substitution at nucleotide position 4066. The glutamic acid at codon 1356 is replaced by lysine, an amino acid with similar properties. This amino acid position is highly conserved in available vertebrate species. In addition, this alteration is predicted to be deleterious by in silico analysis. Since supporting evidence is limited at this time, the clinical significance of this alteration remains unclear.